The following is an entry in ClinVar:

ClinVar aggregate classification (germline): Uncertain significance (1 of 4 stars; one submission).

Conditions:
Neuropathy, hereditary sensory and autonomic, type 2A (HSAN2A). Also called: HSAN IIA; WNK1-Related HSAN2 (HSAN2A); ACROOSTEOLYSIS, GIACCAI TYPE; ACROOSTEOLYSIS, NEUROGENIC; MORVAN DISEASE; NEUROPATHY, CONGENITAL SENSORY. Identifiers: Orphanet 970, MedGen C2752089, MONDO:0024309, OMIM 201300.
Pseudohypoaldosteronism type 2C (PHA2C). Also called: Pseudohypoaldosteronism Type IIC. Identifiers: Orphanet 757, Orphanet 88940, MedGen C1840391, MONDO:0013778, OMIM 614492.

Allele frequency attached by ClinVar (database versions not stated): gnomAD 0.00001; TOPMed 0.00001; ESP Exome Variant Server 0.00008.
gnomAD v4.1: 2 of 1,613,818 alleles (0.00012%); highest among the groups gnomAD compares: African/African-American, 0.0013%; no homozygotes.

Submission:

Labcorp Genetics (formerly Invitae), Labcorp
Classification: Uncertain significance for Neuropathy, hereditary sensory and autonomic, type 2A; Pseudohypoaldosteronism type 2C. Last evaluated: 2023-04-22. Review status: criteria provided, single submitter. Criteria: Invitae Variant Classification Sherloc (09022015). Collection method: clinical testing. Allele origin: germline.
Comment: In summary, the available evidence is currently insufficient to determine the role of this variant in disease. Therefore, it has been classified as a Variant of Uncertain Significance. Advanced modeling of protein sequence and biophysical properties (such as structural, functional, and spatial information, amino acid conservation, physicochemical variation, residue mobility, and thermodynamic stability) performed at Invitae indicates that this missense variant is not expected to disrupt WNK1 protein function. This variant has not been reported in the literature in individuals affected with WNK1-related conditions. This variant is present in population databases (rs369146236, gnomAD 0.007%). This sequence change replaces alanine, which is neutral and non-polar, with glycine, which is neutral and non-polar, at codon 990 of the WNK1 protein (p.Ala990Gly).

NM_213655.5(WNK1):c.2969C>G (p.Ala990Gly)

Gene: WNK1 (WNK lysine deficient protein kinase 1; plus strand). Cytogenetic location: 12p13.33.
Variant type: single nucleotide variant.
Coding change: c.2969C>G on transcript NM_213655.5 (MANE Plus Clinical); coding-DNA position 2969, C replaced by G.
Protein change: p.Ala990Gly; replaces alanine 990 with glycine.
Molecular consequence: missense variant. On other transcripts: intron variant (2).
Genome position (GRCh38, 1-based): chr12:868,440, C>G. VCF-style: chr12-868440-C-G. GRCh37 (hg19) VCF-style: chr12-977606-C-G.
Other names: c.2714C>G, p.Ala905Gly (NM_001184985.2); c.2140-2825C>G (NM_018979.4, NM_014823.3); short protein forms A905G, A990G.
Identifiers: ClinVar variation 2923870 (VCV002923870.3), dbSNP rs369146236, ClinGen allele CA6382272.